The following is an entry in ClinVar:

NM_001367624.2(ZNF469):c.8573C>G (p.Ser2858Cys)

Gene: ZNF469 (zinc finger protein 469; plus strand). Cytogenetic location: 16q24.2.
Variant type: single nucleotide variant.
Coding change: c.8573C>G on transcript NM_001367624.2 (MANE Select); coding-DNA position 8573, C replaced by G.
Protein change: p.Ser2858Cys; replaces serine 2858 with cysteine.
Molecular consequence: missense variant.
Genome position (GRCh38, 1-based): chr16:88,436,043, C>G. VCF-style: chr16-88436043-C-G. GRCh37 (hg19) VCF-style: chr16-88502451-C-G.
Other names: NM_001127464.1:c.8489C>G; short protein forms S2858C.
Identifiers: ClinVar variation 1444345 (VCV001444345.4), dbSNP rs975435621, ClinGen allele CA286384228.

ClinVar aggregate classification (germline): Uncertain significance. Review status: criteria provided, multiple submitters, no conflicts (2 of 4 stars). 2 submissions from 2 submitters: Uncertain significance (2). Last evaluated 2023-01-22.

Conditions:
Cardiovascular phenotype. Identifiers: MedGen CN230736.

Allele frequency attached by ClinVar (database versions not stated): TOPMed below 0.00001; gnomAD 0.00001.
gnomAD v4.1: 2 of 1,550,212 alleles (0.00013%); highest among the groups gnomAD compares: African/African-American, 0.0027%; no homozygotes.

Submissions (2):

Ambry Genetics
Classification: Uncertain significance for Cardiovascular phenotype. Last evaluated: 2023-01-22. Review status: criteria provided, single submitter. Criteria: Ambry Variant Classification Scheme 2023. Collection method: clinical testing. Allele origin: germline.
Comment: The p.S2830C variant (also known as c.8489C>G), located in coding exon 2 of the ZNF469 gene, results from a C to G substitution at nucleotide position 8489. The serine at codon 2830 is replaced by cysteine, an amino acid with dissimilar properties. This amino acid position is conserved. In addition, this alteration is predicted to be tolerated by in silico analysis. Since supporting evidence is limited at this time, the clinical significance of this alteration remains unclear.

Labcorp Genetics (formerly Invitae), Labcorp
Classification: Uncertain significance. Last evaluated: 2022-10-25. Review status: criteria provided, single submitter. Criteria: Invitae Variant Classification Sherloc (09022015). Collection method: clinical testing. Allele origin: germline.
Comment: This sequence change replaces serine, which is neutral and polar, with cysteine, which is neutral and slightly polar, at codon 2830 of the ZNF469 protein (p.Ser2830Cys). This variant is not present in population databases (gnomAD no frequency). This variant has not been reported in the literature in individuals affected with ZNF469-related conditions. ClinVar contains an entry for this variant (Variation ID: 1444345). Algorithms developed to predict the effect of missense changes on protein structure and function are either unavailable or do not agree on the potential impact of this missense change (SIFT: "Deleterious"; PolyPhen-2: "Probably Damaging"; Align-GVGD: "Class C0"). In summary, the available evidence is currently insufficient to determine the role of this variant in disease. Therefore, it has been classified as a Variant of Uncertain Significance.